The following is an entry in ClinVar:

NM_005045.4(RELN):c.1456C>T (p.Pro486Ser)

Gene: RELN (reelin; minus strand). Cytogenetic location: 7q22.1.
Variant type: single nucleotide variant.
Coding change: c.1456C>T on transcript NM_005045.4 (MANE Select); coding-DNA position 1456, C replaced by T.
Protein change: p.Pro486Ser; replaces proline 486 with serine.
Molecular consequence: missense variant.
Genome position (GRCh38, 1-based): chr7:103,654,191, G>A on the plus strand (C>T on the coding strand, the complement: RELN is on the minus strand). VCF-style: chr7-103654191-G-A. GRCh37 (hg19) VCF-style: chr7-103294638-G-A.
Other names: c.1456C>T, p.Pro486Ser (NM_173054.3); short protein forms P486S.
Identifiers: ClinVar variation 2128397 (VCV002128397.4), dbSNP rs750263183, ClinGen allele CA4422257.

ClinVar aggregate classification (germline): Uncertain significance (1 of 4 stars; one submission).

Conditions:
Norman-Roberts syndrome (LIS2). Also called: Lissencephaly 2 (Norman-Roberts type). Identifiers: Orphanet 89844, MedGen C0796089, MONDO:0009760, OMIM 257320.
Familial temporal lobe epilepsy 7. Identifiers: Orphanet 101046, MedGen C4225327, MONDO:0014639, OMIM 616436.

Allele frequency attached by ClinVar (database versions not stated): TOPMed below 0.00001; ExAC 0.00001; gnomAD 0.00001.
gnomAD v4.1: 3 of 1,609,352 alleles (0.00019%); highest among the groups gnomAD compares: African/African-American, 0.0013%; no homozygotes.

Submission:

Labcorp Genetics (formerly Invitae), Labcorp
Classification: Uncertain significance for Familial temporal lobe epilepsy 7; Norman-Roberts syndrome. Last evaluated: 2024-01-15. Review status: criteria provided, single submitter. Criteria: Invitae Variant Classification Sherloc (09022015). Collection method: clinical testing. Allele origin: germline.
Comment: This sequence change replaces proline, which is neutral and non-polar, with serine, which is neutral and polar, at codon 486 of the RELN protein (p.Pro486Ser). This variant is present in population databases (rs750263183, gnomAD 0.0009%). This variant has not been reported in the literature in individuals affected with RELN-related conditions. ClinVar contains an entry for this variant (Variation ID: 2128397). Advanced modeling of protein sequence and biophysical properties (such as structural, functional, and spatial information, amino acid conservation, physicochemical variation, residue mobility, and thermodynamic stability) performed at Invitae indicates that this missense variant is not expected to disrupt RELN protein function with a negative predictive value of 80%. In summary, the available evidence is currently insufficient to determine the role of this variant in disease. Therefore, it has been classified as a Variant of Uncertain Significance.